The following is an entry in ClinVar:

NM_002335.4(LRP5):c.2570A>G (p.Tyr857Cys)

Gene: LRP5 (LDL receptor related protein 5; plus strand). Cytogenetic location: 11q13.2.
Variant type: single nucleotide variant.
Coding change: c.2570A>G on transcript NM_002335.4 (MANE Select); coding-DNA position 2570, A replaced by G.
Protein change: p.Tyr857Cys; replaces tyrosine 857 with cysteine.
Molecular consequence: missense variant.
Genome position (GRCh38, 1-based): chr11:68,413,755, A>G. VCF-style: chr11-68413755-A-G. GRCh37 (hg19) VCF-style: chr11-68181223-A-G.
Other names: c.827A>G, p.Tyr276Cys (NM_001291902.2); short protein forms Y276C, Y857C.
Identifiers: ClinVar variation 1720616 (VCV001720616.5), dbSNP rs762646007, ClinGen allele CA6149688.

ClinVar aggregate classification (germline): Uncertain significance (1 of 4 stars; one submission).

Allele frequency attached by ClinVar (database versions not stated): gnomAD exomes below 0.00001; TOPMed below 0.00001; gnomAD 0.00001; ExAC 0.00002.
gnomAD v4.1: 5 of 1,613,726 alleles (0.00031%); highest among the groups gnomAD compares: African/African-American, 0.0027%; no homozygotes.

Submission:

Labcorp Genetics (formerly Invitae), Labcorp
Classification: Uncertain significance. Last evaluated: 2024-08-31. Review status: criteria provided, single submitter. Criteria: Invitae Variant Classification Sherloc (09022015). Collection method: clinical testing. Allele origin: germline.
Comment: This sequence change replaces tyrosine, which is neutral and polar, with cysteine, which is neutral and slightly polar, at codon 857 of the LRP5 protein (p.Tyr857Cys). This variant is present in population databases (rs762646007, gnomAD 0.007%). This variant has not been reported in the literature in individuals affected with LRP5-related conditions. ClinVar contains an entry for this variant (Variation ID: 1720616). Invitae Evidence Modeling of protein sequence and biophysical properties (such as structural, functional, and spatial information, amino acid conservation, physicochemical variation, residue mobility, and thermodynamic stability) has been performed for this missense variant. However, the output from this modeling did not meet the statistical confidence thresholds required to predict the impact of this variant on LRP5 protein function. In summary, the available evidence is currently insufficient to determine the role of this variant in disease. Therefore, it has been classified as a Variant of Uncertain Significance.